The following is an entry in ClinVar:

NM_005585.5(SMAD6):c.463G>T (p.Gly155Cys)

Gene: SMAD6 (SMAD family member 6; plus strand). Cytogenetic location: 15q22.31.
Variant type: single nucleotide variant.
Coding change: c.463G>T on transcript NM_005585.5 (MANE Select); coding-DNA position 463, G replaced by T.
Protein change: p.Gly155Cys; replaces glycine 155 with cysteine.
Molecular consequence: missense variant. On other transcripts: non-coding transcript variant (1).
Genome position (GRCh38, 1-based): chr15:66,703,721, G>T. VCF-style: chr15-66703721-G-T. GRCh37 (hg19) VCF-style: chr15-66996059-G-T.
Other names: c.463G>T (NM_005585.4); short protein forms G155C.
Identifiers: ClinVar variation 3730085 (VCV003730085.3).

ClinVar aggregate classification (germline): Uncertain significance. Review status: criteria provided, multiple submitters, no conflicts (2 of 4 stars). 2 submissions from 2 submitters: Uncertain significance (2). Last evaluated 2025-08-11.

Conditions:
Inborn genetic diseases. Identifiers: MedGen C0950123, MeSH D030342.
Aortic valve disease 2 (AOVD2). Identifiers: MedGen C3542024, MONDO:0013902, OMIM 614823.

gnomAD v4.1: 16 of 1,348,786 alleles (0.0012%); highest among the groups gnomAD compares: Non-Finnish European, 0.0015%; no homozygotes.

Submissions (2):

Labcorp Genetics (formerly Invitae), Labcorp
Classification: Uncertain significance for Aortic valve disease 2. Last evaluated: 2025-08-11. Review status: criteria provided, single submitter. Criteria: Invitae Variant Classification Sherloc (09022015). Collection method: clinical testing. Allele origin: germline.
Comment: This sequence change replaces glycine, which is neutral and non-polar, with cysteine, which is neutral and slightly polar, at codon 155 of the SMAD6 protein (p.Gly155Cys). This variant is not present in population databases (gnomAD no frequency). This variant has not been reported in the literature in individuals affected with SMAD6-related conditions. ClinVar contains an entry for this variant (Variation ID: 3730085). Invitae Evidence Modeling of protein sequence and biophysical properties (such as structural, functional, and spatial information, amino acid conservation, physicochemical variation, residue mobility, and thermodynamic stability) indicates that this missense variant is not expected to disrupt SMAD6 protein function with a negative predictive value of 80%. In summary, the available evidence is currently insufficient to determine the role of this variant in disease. Therefore, it has been classified as a Variant of Uncertain Significance.

Ambry Genetics
Classification: Uncertain significance for Inborn genetic diseases. Last evaluated: 2025-03-09. Review status: criteria provided, single submitter. Criteria: Ambry Variant Classification Scheme 2023. Collection method: clinical testing. Allele origin: germline.
Comment: The p.G155C variant (also known as c.463G>T), located in coding exon 1 of the SMAD6 gene, results from a G to T substitution at nucleotide position 463. The glycine at codon 155 is replaced by cysteine, an amino acid with highly dissimilar properties. This amino acid position is conserved. In addition, the in silico prediction for this alteration is inconclusive. Based on the available evidence, the clinical significance of this variant remains unclear.